The following is an entry in ClinVar:

ClinVar aggregate classification (germline): Benign/Likely benign. Review status: criteria provided, multiple submitters, no conflicts (2 of 4 stars). 8 submissions from 8 submitters: Benign (1); Likely benign (5). 2 of the submissions do not count toward it. Last evaluated 2026-08-01.

Conditions:
CREBBP-related disorder. Also called: CREBBP-related disorders; CREBBP-related condition.
Rubinstein-Taybi syndrome (RSTS). Identifiers: Orphanet 783, MedGen C0035934, MONDO:0019188.
Inborn genetic diseases. Identifiers: MedGen C0950123, MeSH D030342.

Allele frequency attached by ClinVar (database versions not stated): TOPMed 0.00002; 1000 Genomes Project 0.00060; 1000 Genomes Project 30x 0.00062.
gnomAD v4.1: 185 of 1,613,886 alleles (0.011%); highest among the groups gnomAD compares: South Asian, 0.15%; 3 homozygotes.

Submissions (8):

CeGaT Center for Human Genetics Tuebingen
Classification: Likely benign. Last evaluated: 2026-08-01. Review status: criteria provided, single submitter. Criteria: CeGaT Center For Human Genetics Tuebingen Variant Classification Criteria Version 2. Collection method: clinical testing. Allele origin: germline. Affected: yes. Observed: 2 variant alleles.
Comment: CREBBP: PP2, BP4, BS1

Labcorp Genetics (formerly Invitae), Labcorp
Classification: Likely benign for Rubinstein-Taybi syndrome. Last evaluated: 2025-12-18. Review status: criteria provided, single submitter. Criteria: Invitae Variant Classification Sherloc (09022015). Collection method: clinical testing. Allele origin: germline.

Blueprint Genetics
Classification: Likely benign. Last evaluated: 2024-11-27. Review status: criteria provided, single submitter. Criteria: ACMG Guidelines, 2015. Collection method: clinical testing. Allele origin: germline.

GeneDx
Classification: Likely benign. Last evaluated: 2021-04-09. Review status: criteria provided, single submitter. Criteria: GeneDx Variant Classification Process June 2021. Collection method: clinical testing. Allele origin: germline. Affected: yes.
Comment: This variant is associated with the following publications: (PMID: 24728327)

Ambry Genetics
Classification: Likely benign for Inborn genetic diseases. Last evaluated: 2017-05-02. Review status: criteria provided, single submitter. Criteria: Ambry Variant Classification Scheme 2023. Collection method: clinical testing. Allele origin: germline.

Eurofins Ntd Llc (ga)
Classification: Benign. Last evaluated: 2014-01-16. Review status: criteria provided, single submitter. Criteria: EGL Classification Definitions 2015. Collection method: clinical testing. Allele origin: germline. Observed: 1 variant allele, 1 heterozygote.

PreventionGenetics, part of Exact Sciences
Classification: Likely benign for CREBBP-related condition. Last evaluated: 2021-07-16. Review status: no assertion criteria provided. Collection method: clinical testing. Allele origin: germline. Not counted in ClinVar's aggregate classification.
Comment: This variant is classified as likely benign based on ACMG/AMP sequence variant interpretation guidelines (Richards et al. 2015 PMID: 25741868, with internal and published modifications).

ITMI
No classification provided. Condition: AllHighlyPenetrant. Last evaluated: 2013-09-19. Review status: no classification provided. Collection method: reference population. Allele origin: germline. Not counted in ClinVar's aggregate classification.
Comment: Please see associated publication for description of ethnicities

Literature cited by the submitters: PubMed 24728327 (cited by ITMI).

NM_004380.3(CREBBP):c.2728A>T (p.Thr910Ser)

Gene: CREBBP (CREB binding lysine acetyltransferase; minus strand). Cytogenetic location: 16p13.3.
Variant type: single nucleotide variant.
Coding change: c.2728A>T on transcript NM_004380.3 (MANE Select); coding-DNA position 2728, A replaced by T.
Protein change: p.Thr910Ser; replaces threonine 910 with serine.
Molecular consequence: missense variant.
Genome position (GRCh38, 1-based): chr16:3,770,722, T>A on the plus strand (A>T on the coding strand, the complement: CREBBP is on the minus strand). VCF-style: chr16-3770722-T-A. GRCh37 (hg19) VCF-style: chr16-3820723-T-A.
Other names: c.2614A>T, p.Thr872Ser (NM_001079846.1); short protein forms T910S, T872S.
Identifiers: ClinVar variation 133924 (VCV000133924.43), dbSNP rs143247685, ClinGen allele CA158166.
Genomic context (GRCh38, chr16:3,770,722, plus strand): 5'-GCTGCGGGGTCACCTGGGCCTGGGCTGCTGCCTGGACTGTAGGGGTGCTCTGGGTTTGGG[T>A]AGCACTGGGCACTGAGCCAGGAGTCGGGGTGGGAGTCTGCCCGGAAGACGACACAGGAGT-3'
Protein context (NP_004371.2, residues 900-920): TPTPGSVPSA[Thr910Ser]QTQSTPTVQA